The following is an entry in ClinVar:

ClinVar aggregate classification (germline): Uncertain significance. Review status: criteria provided, multiple submitters, no conflicts (2 of 4 stars). 2 submissions from 2 submitters: Uncertain significance (2). Last evaluated 2025-12-10.

Conditions:
Inborn genetic diseases. Identifiers: MedGen C0950123, MeSH D030342.

Allele frequency attached by ClinVar (database versions not stated): gnomAD exomes 0.00001; gnomAD 0.00002; TOPMed 0.00002.
gnomAD v4.1: 17 of 1,613,582 alleles (0.0011%); highest among the groups gnomAD compares: Non-Finnish European, 0.0012%; no homozygotes.

Submissions (2):

Ambry Genetics
Classification: Uncertain significance for Inborn genetic diseases. Last evaluated: 2025-12-10. Review status: criteria provided, single submitter. Criteria: Ambry Variant Classification Scheme 2023. Collection method: clinical testing. Allele origin: germline.

Labcorp Genetics (formerly Invitae), Labcorp
Classification: Uncertain significance. Last evaluated: 2024-10-29. Review status: criteria provided, single submitter. Criteria: Invitae Variant Classification Sherloc (09022015). Collection method: clinical testing. Allele origin: germline.
Comment: This sequence change replaces glutamine, which is neutral and polar, with glutamic acid, which is acidic and polar, at codon 807 of the LEMD3 protein (p.Gln807Glu). This variant is not present in population databases (gnomAD no frequency). This variant has not been reported in the literature in individuals affected with LEMD3-related conditions. Invitae Evidence Modeling of protein sequence and biophysical properties (such as structural, functional, and spatial information, amino acid conservation, physicochemical variation, residue mobility, and thermodynamic stability) indicates that this missense variant is not expected to disrupt LEMD3 protein function with a negative predictive value of 80%. In summary, the available evidence is currently insufficient to determine the role of this variant in disease. Therefore, it has been classified as a Variant of Uncertain Significance.

NM_014319.5(LEMD3):c.2419C>G (p.Gln807Glu)

Gene: LEMD3 (LEM domain containing 3; plus strand). Cytogenetic location: 12q14.3.
Variant type: single nucleotide variant.
Coding change: c.2419C>G on transcript NM_014319.5 (MANE Select); coding-DNA position 2419, C replaced by G.
Protein change: p.Gln807Glu; replaces glutamine 807 with glutamic acid.
Molecular consequence: missense variant.
Genome position (GRCh38, 1-based): chr12:65,245,700, C>G. VCF-style: chr12-65245700-C-G. GRCh37 (hg19) VCF-style: chr12-65639480-C-G.
Other names: c.2419C>G (NM_014319.4); c.2416C>G, p.Gln806Glu (NM_001167614.2); short protein forms Q807E, Q806E.
Identifiers: ClinVar variation 2956537 (VCV002956537.4), dbSNP rs1020975388, ClinGen allele CA238915712.